The following is an entry in ClinVar:

NM_000342.4(SLC4A1):c.2141G>A (p.Gly714Glu)

Gene: SLC4A1 (solute carrier family 4 member 1 (Diego blood group); minus strand). Cytogenetic location: 17q21.31.
Variant type: single nucleotide variant.
Coding change: c.2141G>A on transcript NM_000342.4 (MANE Select); coding-DNA position 2141, G replaced by A.
Protein change: p.Gly714Glu; replaces glycine 714 with glutamic acid.
Molecular consequence: missense variant.
Genome position (GRCh38, 1-based): chr17:44,253,288, C>T on the plus strand (G>A on the coding strand, the complement: SLC4A1 is on the minus strand). VCF-style: chr17-44253288-C-T. GRCh37 (hg19) VCF-style: chr17-42330656-C-T.
Other names: short protein forms G714E.
Identifiers: ClinVar variation 4741248 (VCV004741248.1).

ClinVar aggregate classification (germline): Uncertain significance (1 of 4 stars; one submission).

Submission:

Labcorp Genetics (formerly Invitae), Labcorp
Classification: Uncertain significance. Last evaluated: 2025-09-10. Review status: criteria provided, single submitter. Criteria: Invitae Variant Classification Sherloc (09022015). Collection method: clinical testing. Allele origin: germline.
Comment: This sequence change replaces glycine, which is neutral and non-polar, with glutamic acid, which is acidic and polar, at codon 714 of the SLC4A1 protein (p.Gly714Glu). This variant is not present in population databases (gnomAD no frequency). This variant has not been reported in the literature in individuals affected with SLC4A1-related conditions. Invitae Evidence Modeling of protein sequence and biophysical properties (such as structural, functional, and spatial information, amino acid conservation, physicochemical variation, residue mobility, and thermodynamic stability) indicates that this missense variant is expected to disrupt SLC4A1 protein function with a positive predictive value of 80%. In summary, the available evidence is currently insufficient to determine the role of this variant in disease. Therefore, it has been classified as a Variant of Uncertain Significance.